The following is an entry in ClinVar:

NM_020297.4(ABCC9):c.2927A>T (p.Lys976Ile)

Gene: ABCC9 (ATP binding cassette subfamily C member 9; minus strand). Cytogenetic location: 12p12.1.
Variant type: single nucleotide variant.
Coding change: c.2927A>T on transcript NM_020297.4 (MANE Select); coding-DNA position 2927, A replaced by T.
Protein change: p.Lys976Ile; replaces lysine 976 with isoleucine.
Molecular consequence: missense variant.
Genome position (GRCh38, 1-based): chr12:21,845,772, T>A on the plus strand (A>T on the coding strand, the complement: ABCC9 is on the minus strand). VCF-style: chr12-21845772-T-A. GRCh37 (hg19) VCF-style: chr12-21998706-T-A.
Other names: c.2927A>T, p.Lys976Ile (NM_001377273.1, NM_005691.4); c.2060A>T, p.Lys687Ile (NM_001377274.1); c.2927A>T (NM_005691.2); short protein forms K976I, K687I.
Identifiers: ClinVar variation 423984 (VCV000423984.14), dbSNP rs149319186, ClinGen allele CA6481239.

ClinVar aggregate classification (germline): Conflicting classifications of pathogenicity. Review status: criteria provided, conflicting classifications (1 of 4 stars). 3 submissions from 3 submitters: Uncertain significance (1); Likely benign (2). Last evaluated 2026-01-05.

Conditions:
Cardiovascular phenotype. Identifiers: MedGen CN230736.
Dilated cardiomyopathy 1O (CMD1O). Also called: CARDIOMYOPATHY, DILATED, WITH VENTRICULAR TACHYCARDIA. Identifiers: Orphanet 154, MedGen C1837839, MONDO:0012062, OMIM 608569.

Allele frequency attached by ClinVar (database versions not stated): 1000 Genomes Project 30x 0.00031; 1000 Genomes Project 0.00040; gnomAD 0.00002 and 0.00003; gnomAD exomes 0.00002 and 0.00013; TOPMed 0.00002; ExAC 0.00012.
gnomAD v4.1: 28 of 1,613,914 alleles (0.0017%); highest among the groups gnomAD compares: East Asian, 0.062%; no homozygotes.

Submissions (3):

Labcorp Genetics (formerly Invitae), Labcorp
Classification: Likely benign for Dilated cardiomyopathy 1O. Last evaluated: 2026-01-05. Review status: criteria provided, single submitter. Criteria: Invitae Variant Classification Sherloc (09022015). Collection method: clinical testing. Allele origin: germline.

Ambry Genetics
Classification: Likely benign for Cardiovascular phenotype. Last evaluated: 2025-07-17. Review status: criteria provided, single submitter. Criteria: Ambry Variant Classification Scheme 2023. Collection method: clinical testing. Allele origin: germline.

GeneDx
Classification: Uncertain significance. Last evaluated: 2017-03-02. Review status: criteria provided, single submitter. Criteria: GeneDx Variant Classification (06012015). Collection method: clinical testing. Allele origin: germline. Affected: yes.
Comment: A variant of uncertain significance has been identified in the ABCC9 gene. The K976I variant has not been published as pathogenic or been reported as benign to our knowledge. The K976I variant is a non-conservative amino acid substitution, which is likely to impact secondary protein structure as these residues differ in polarity, charge, size and/or other properties. Additionally, this substitution occurs at a position that is conserved across species and in silico analysis predicts this variant is probably damaging to the protein structure/function. However, the K976I variant is observed in 14/8636 (0.16%) alleles from individuals of East Asian background in large population cohorts (Lek et al., 2016; McVean et al., 2012; Exome Variant Server).